The following is an entry in ClinVar:

NM_015378.4(VPS13D):c.11002A>T (p.Asn3668Tyr)

Gene: VPS13D (vacuolar protein sorting 13 homolog D; plus strand). Cytogenetic location: 1p36.22.
Variant type: single nucleotide variant.
Coding change: c.11002A>T on transcript NM_015378.4 (MANE Select); coding-DNA position 11002, A replaced by T.
Protein change: p.Asn3668Tyr; replaces asparagine 3668 with tyrosine.
Molecular consequence: missense variant.
Genome position (GRCh38, 1-based): chr1:12,378,512, A>T. VCF-style: chr1-12378512-A-T. GRCh37 (hg19) VCF-style: chr1-12438566-A-T.
Other names: c.10927A>T, p.Asn3643Tyr (NM_018156.4); short protein forms N3668Y, N3643Y.
Identifiers: ClinVar variation 3188796 (VCV003188796.2), dbSNP rs777557545, ClinGen allele CA603833.

ClinVar aggregate classification (germline): Uncertain significance. Review status: criteria provided, multiple submitters, no conflicts (2 of 4 stars). 2 submissions from 2 submitters: Uncertain significance (2). Last evaluated 2025-11-27.

Conditions:
Inborn genetic diseases. Identifiers: MedGen C0950123, MeSH D030342.

Allele frequency attached by ClinVar (database versions not stated): ExAC 0.00001; gnomAD 0.00001; TOPMed 0.00002.
gnomAD v4.1: 15 of 1,612,554 alleles (0.00093%); highest among the groups gnomAD compares: Non-Finnish European, 0.0013%; no homozygotes.

Submissions (2):

Labcorp Genetics (formerly Invitae), Labcorp
Classification: Uncertain significance. Last evaluated: 2025-11-27. Review status: criteria provided, single submitter. Criteria: Invitae Variant Classification Sherloc (09022015). Collection method: clinical testing. Allele origin: germline.
Comment: This sequence change replaces asparagine, which is neutral and polar, with tyrosine, which is neutral and polar, at codon 3668 of the VPS13D protein (p.Asn3668Tyr). This variant is present in population databases (rs777557545, gnomAD 0.0009%). This variant has not been reported in the literature in individuals affected with VPS13D-related conditions. ClinVar contains an entry for this variant (Variation ID: 3188796). Invitae Evidence Modeling of protein sequence and biophysical properties (such as structural, functional, and spatial information, amino acid conservation, physicochemical variation, residue mobility, and thermodynamic stability) indicates that this missense variant is not expected to disrupt VPS13D protein function with a negative predictive value of 80%. In summary, the available evidence is currently insufficient to determine the role of this variant in disease. Therefore, it has been classified as a Variant of Uncertain Significance.

Ambry Genetics
Classification: Uncertain significance for Inborn genetic diseases. Last evaluated: 2024-02-05. Review status: criteria provided, single submitter. Criteria: Ambry Variant Classification Scheme 2023. Collection method: clinical testing. Allele origin: germline.